The following is an entry in ClinVar:

ClinVar aggregate classification (germline): Uncertain significance (1 of 4 stars; one submission).

Conditions:
Neuroblastoma, susceptibility to, 3. Also called: ALK-Related Neuroblastic Tumor Susceptibility. Identifiers: Orphanet 635, MedGen C2751681, MONDO:0013083, OMIM 613014.

Submission:

Labcorp Genetics (formerly Invitae), Labcorp
Classification: Uncertain significance for Neuroblastoma, susceptibility to, 3. Last evaluated: 2021-11-06. Review status: criteria provided, single submitter. Criteria: Invitae Variant Classification Sherloc (09022015). Collection method: clinical testing. Allele origin: germline.
Comment: In summary, the available evidence is currently insufficient to determine the role of this variant in disease. Therefore, it has been classified as a Variant of Uncertain Significance. Algorithms developed to predict the effect of missense changes on protein structure and function (SIFT, PolyPhen-2, Align-GVGD) all suggest that this variant is likely to be disruptive. This variant has not been reported in the literature in individuals affected with ALK-related conditions. This variant is not present in population databases (gnomAD no frequency). This sequence change replaces cysteine, which is neutral and slightly polar, with serine, which is neutral and polar, at codon 487 of the ALK protein (p.Cys487Ser).

NM_004304.5(ALK):c.1459T>A (p.Cys487Ser)

Gene: ALK (ALK receptor tyrosine kinase; minus strand). Cytogenetic location: 2p23.2.
Variant type: single nucleotide variant.
Coding change: c.1459T>A on transcript NM_004304.5 (MANE Select); coding-DNA position 1459, T replaced by A.
Protein change: p.Cys487Ser; replaces cysteine 487 with serine.
Molecular consequence: missense variant.
Genome position (GRCh38, 1-based): chr2:29,320,838, A>T on the plus strand (T>A on the coding strand, the complement: ALK is on the minus strand). VCF-style: chr2-29320838-A-T. GRCh37 (hg19) VCF-style: chr2-29543704-A-T.
Other names: short protein forms C487S.
Identifiers: ClinVar variation 1515606 (VCV001515606.6), dbSNP rs2148251026, ClinGen allele CA346472535.